The following is an entry in ClinVar:

NM_000051.4(ATM):c.2913A>G (p.Lys971=)

Gene: ATM (ATM serine/threonine kinase; plus strand). Cytogenetic location: 11q22.3.
Variant type: single nucleotide variant.
Coding change: c.2913A>G on transcript NM_000051.4 (MANE Select); coding-DNA position 2913, A replaced by G.
Protein change: p.Lys971=; no amino-acid change (lysine 971 retained).
Molecular consequence: synonymous variant.
Genome position (GRCh38, 1-based): chr11:108,271,138, A>G. VCF-style: chr11-108271138-A-G. GRCh37 (hg19) VCF-style: chr11-108141865-A-G.
Other names: p.Lys971=; c.2913A>G, p.Lys971= (NM_001351834.2).
Identifiers: ClinVar variation 385658 (VCV000385658.15), dbSNP rs1057522291, ClinGen allele CA16605780.

ClinVar aggregate classification (germline): Benign/Likely benign. Review status: criteria provided, multiple submitters, no conflicts (2 of 4 stars). 6 submissions from 6 submitters: Benign (1); Likely benign (5). Last evaluated 2025-10-15.

Conditions:
Hereditary cancer-predisposing syndrome. Also called: Neoplastic Syndromes, Hereditary; Hereditary neoplastic syndrome; Tumor predisposition; Hereditary Cancer Syndrome. Identifiers: Orphanet 140162, MedGen C0027672, MeSH D009386, MONDO:0015356.
Familial cancer of breast. Also called: BREAST CANCER, FAMILIAL; hereditary breast carcinoma; Hereditary breast cancer. Identifiers: Orphanet 227535, MedGen C0346153, MONDO:0016419, OMIM 114480. Disease mechanism: loss of function.
Ataxia-telangiectasia syndrome (AT). Also called: AT, COMPLEMENTATION GROUP C; ATAXIA-TELANGIECTASIA, COMPLEMENTATION GROUP A; ATAXIA-TELANGIECTASIA, FRESNO VARIANT; LOUIS-BAR SYNDROME; Ataxia-telangiectasia; Cerebello-oculocutaneous telangiectasia. Identifiers: Orphanet 100, MedGen C0004135, MONDO:0008840, OMIM 208900.

Submissions (6):

Mayo Clinic Laboratories, Mayo Clinic
Classification: Likely benign. Last evaluated: 2025-10-15. Review status: criteria provided, single submitter. Criteria: ACMG Guidelines, 2015. Collection method: clinical testing. Allele origin: germline. Observed: 1 variant allele.
Comment: BP4, BP7, PM2_supporting

Labcorp Genetics (formerly Invitae), Labcorp
Classification: Likely benign for Ataxia-telangiectasia syndrome. Last evaluated: 2025-10-06. Review status: criteria provided, single submitter. Criteria: Invitae Variant Classification Sherloc (09022015). Collection method: clinical testing. Allele origin: germline.

Myriad Genetics, Inc.
Classification: Benign for Familial cancer of breast. Last evaluated: 2024-05-10. Review status: criteria provided, single submitter. Criteria: Myriad Autosomal Dominant, Autosomal Recessive and X-Linked Classification Criteria (2023). Collection method: clinical testing. Allele origin: unknown.
Comment: This variant is considered benign. This variant is a silent/synonymous amino acid change and it is not expected to impact splicing.

Ambry Genetics
Classification: Likely benign for Hereditary cancer-predisposing syndrome. Last evaluated: 2021-02-03. Review status: criteria provided, single submitter. Criteria: Ambry Variant Classification Scheme 2023. Collection method: clinical testing. Allele origin: germline.

Color Diagnostics, LLC DBA Color Health
Classification: Likely benign for Hereditary cancer-predisposing syndrome. Last evaluated: 2018-04-03. Review status: criteria provided, single submitter. Criteria: ACMG Guidelines, 2015. Collection method: clinical testing. Allele origin: germline.

GeneDx
Classification: Likely benign. Last evaluated: 2016-04-20. Review status: criteria provided, single submitter. Criteria: GeneDx Variant Classification (06012015). Collection method: clinical testing. Allele origin: germline. Affected: yes.
Comment: This variant is considered likely benign or benign based on one or more of the following criteria: it is a conservative change, it occurs at a poorly conserved position in the protein, it is predicted to be benign by multiple in silico algorithms, and/or has population frequency not consistent with disease.